The following is an entry in ClinVar:

NC_000019.9:g.(?_48714967)_(48725132_?)del

Gene: CARD8 (caspase recruitment domain family member 8; minus strand). Cytogenetic location: 19q13.33.
Variant type: Deletion.
Identifiers: ClinVar variation 1513425 (VCV001513425.5).

ClinVar aggregate classification (germline): Uncertain significance (1 of 4 stars; one submission).

Submission:

Labcorp Genetics (formerly Invitae), Labcorp
Classification: Uncertain significance. Last evaluated: 2022-07-11. Review status: criteria provided, single submitter. Criteria: Invitae Variant Classification Sherloc (09022015). Collection method: clinical testing. Allele origin: germline.
Comment: In summary, the available evidence is currently insufficient to determine the role of this variant in disease. Therefore, it has been classified as a Variant of Uncertain Significance. Experimental studies and prediction algorithms are not available or were not evaluated, and the functional significance of this variant is currently unknown. This variant has not been reported in the literature in individuals affected with CARD8-related conditions. This variant is a gross deletion of the genomic region encompassing exon(s) 9-12 of the CARD8 gene. This variant would be expected to be in-frame, preserving the integrity of the reading frame.